The following is an entry in ClinVar:

ClinVar aggregate classification (germline): Uncertain significance (1 of 4 stars; one submission).

Conditions:
Early-infantile DEE. Also called: Ohtahara syndrome; Early infantile epileptic encephalopathy with suppression bursts; Early infantile epileptic encephalopathy. Identifiers: Orphanet 1934, MedGen C0393706, MONDO:0800491.

Submission:

Labcorp Genetics (formerly Invitae), Labcorp
Classification: Uncertain significance for Early-infantile DEE. Last evaluated: 2019-11-29. Review status: criteria provided, single submitter. Criteria: Invitae Variant Classification Sherloc (09022015). Collection method: clinical testing. Allele origin: germline.
Comment: In summary, the available evidence is currently insufficient to determine the role of this variant in disease. Therefore, it has been classified as a Variant of Uncertain Significance. The current clinical and genetic evidence is not sufficient to establish whether loss-of-function variants in HCN1 cause disease. This variant has not been reported in the literature in individuals with HCN1-related conditions. This variant is not present in population databases (ExAC no frequency). This sequence change creates a premature translational stop signal (p.His392Cysfs*20) in the HCN1 gene. It is expected to result in an absent or disrupted protein product.

NM_021072.4(HCN1):c.1173_1174del (p.His392fs)

Gene: HCN1 (hyperpolarization activated cyclic nucleotide gated potassium channel 1; minus strand). Cytogenetic location: 5p12.
Variant type: Deletion.
Coding change: c.1173_1174del on transcript NM_021072.4 (MANE Select); coding-DNA positions 1173 to 1174, 2 bases deleted (CC; older notation c.1173_1174delCC).
Protein change: p.His392fs; shifts the reading frame from histidine 392.
Molecular consequence: frameshift variant.
Genome position (GRCh38, 1-based): chr5:45,396,548-45,396,549, GG deleted on the plus strand (CC on the coding strand, the reverse complement: HCN1 is on the minus strand). VCF-style (leftmost placement, unchanged base first): chr5-45396547-TGG-T. GRCh37 (hg19) VCF-style: chr5-45396649-TGG-T.
Other names: short protein forms H392fs.
Identifiers: ClinVar variation 853410 (VCV000853410.9), dbSNP rs1739691445, ClinGen allele CA916082707.